The following is an entry in ClinVar:

ClinVar aggregate classification (germline): Likely benign. Review status: criteria provided, multiple submitters, no conflicts (2 of 4 stars). 3 submissions from 3 submitters: Likely benign (2). 1 of the submissions does not count toward it. Last evaluated 2025-10-29.

Conditions:
Inborn genetic diseases. Identifiers: MedGen C0950123, MeSH D030342.

Allele frequency attached by ClinVar (database versions not stated): gnomAD 0.00001; gnomAD exomes 0.00001; TOPMed 0.00001; ExAC 0.00002; 1000 Genomes Project 30x 0.00016; 1000 Genomes Project 0.00020.
gnomAD v4.1: 21 of 1,613,864 alleles (0.0013%); highest among the groups gnomAD compares: South Asian, 0.0033%; no homozygotes.

Submissions (3):

Ambry Genetics
Classification: Likely benign for Inborn genetic diseases. Last evaluated: 2025-10-29. Review status: criteria provided, single submitter. Criteria: Ambry Variant Classification Scheme 2023. Collection method: clinical testing. Allele origin: germline.

Labcorp Genetics (formerly Invitae), Labcorp
Classification: Likely benign. Last evaluated: 2024-11-16. Review status: criteria provided, single submitter. Criteria: Invitae Variant Classification Sherloc (09022015). Collection method: clinical testing. Allele origin: germline.

Department of Pathology and Laboratory Medicine, Sinai Health System
Classification: Uncertain significance. Review status: no assertion criteria provided. Collection method: clinical testing. Allele origin: unknown. Affected: yes. Study: The Canadian Open Genetics Repository (COGR). Not counted in ClinVar's aggregate classification.
Comment: The CACNA1E p.P2142S variant was not identified in the literature nor was it identified in ClinVar. The variant was identified in dbSNP (ID: rs548645440) and in control databases in 3 of 249144 chromosomes at a frequency of 0.00001204 (Genome Aggregation Database March 6, 2019, v2.1.1). The p.P2142 residue is conserved in mammals and computational analyses (MUT Assesor, PolyPhen-2, SIFT, MutationTaster, Revel, FATHMM, MetaLR, DANN) provide inconsistent predictions regarding the impact to the protein; this information is not very predictive of pathogenicity. The variant occurs outside of the splicing consensus sequence and in silico or computational prediction software programs (Splice AI exome) do not predict a difference in splicing. In summary, based on the above information the clinical significance of this variant cannot be determined with certainty at this time. This variant is classified as a variant of uncertain significance.

NM_001205293.3(CACNA1E):c.6553C>T (p.Pro2185Ser)

Gene: CACNA1E (calcium voltage-gated channel subunit alpha1 E; plus strand). Cytogenetic location: 1q25.3.
Variant type: single nucleotide variant.
Coding change: c.6553C>T on transcript NM_001205293.3 (MANE Select); coding-DNA position 6553, C replaced by T.
Protein change: p.Pro2185Ser; replaces proline 2185 with serine.
Molecular consequence: missense variant.
Genome position (GRCh38, 1-based): chr1:181,798,445, C>T. VCF-style: chr1-181798445-C-T. GRCh37 (hg19) VCF-style: chr1-181767581-C-T.
Other names: c.6553C>T (NM_001205293.1); c.6424C>T, p.Pro2142Ser (NM_000721.4); c.6367C>T, p.Pro2123Ser (NM_001205294.2); short protein forms P2123S, P2142S, P2185S.
Identifiers: ClinVar variation 1050023 (VCV001050023.4), dbSNP rs548645440, ClinGen allele CA1276442.
Genomic context (GRCh38, chr1:181,798,445, plus strand): 5'-AAGCCCCGGCCCCTCCTTTCCTACAGCTCCCTGATTCGACACGCGGGCAGCATCTCTCCA[C>T]CTGCTGATGGAAGCGAGGAGGGCTCCCCGCTGACCTCCCAAGCTCTGGAGAGCAACAATG-3'
Protein context (NP_001192222.1, residues 2175-2195): LIRHAGSISP[Pro2185Ser]ADGSEEGSPL